The following is an entry in ClinVar:

NM_002133.3(HMOX1):c.204C>G (p.Asn68Lys)

Gene: HMOX1 (heme oxygenase 1; plus strand). Cytogenetic location: 22q12.3.
Variant type: single nucleotide variant.
Coding change: c.204C>G on transcript NM_002133.3 (MANE Select); coding-DNA position 204, C replaced by G.
Protein change: p.Asn68Lys; replaces asparagine 68 with lysine.
Molecular consequence: missense variant.
Genome position (GRCh38, 1-based): chr22:35,386,744, C>G. VCF-style: chr22-35386744-C-G. GRCh37 (hg19) VCF-style: chr22-35782737-C-G.
Other names: short protein forms N68K.
Identifiers: ClinVar variation 1351980 (VCV001351980.6), dbSNP rs200856037, ClinGen allele CA10204656.
Genomic context (GRCh38, chr22:35,386,744, plus strand): 5'-GCTGGTGATGGCCTCCCTGTACCACATCTATGTGGCCCTGGAGGAGGAGATTGAGCGCAA[C>G]AAGGAGAGCCCAGTCTTCGCCCCTGTCTACTTCCCAGAAGAGCTGCACCGCAAGGCTGCC-3'
Protein context (NP_002124.1, residues 58-78): YVALEEEIER[Asn68Lys]KESPVFAPVY

ClinVar aggregate classification (germline): Uncertain significance. Review status: criteria provided, multiple submitters, no conflicts (2 of 4 stars). 2 submissions from 2 submitters: Uncertain significance (2). Last evaluated 2024-11-26.

Allele frequency attached by ClinVar (database versions not stated): gnomAD exomes 0.00002 and 0.00016; gnomAD 0.00004 and 0.00007; ExAC 0.00017; 1000 Genomes Project 30x 0.00078; 1000 Genomes Project 0.00080.
gnomAD v4.1: 56 of 1,614,218 alleles (0.0035%); highest among the groups gnomAD compares: East Asian, 0.08%; no homozygotes.

Submissions (2):

Blueprint Genetics
Classification: Uncertain significance. Last evaluated: 2024-11-26. Review status: criteria provided, single submitter. Criteria: ACMG Guidelines, 2015. Collection method: clinical testing. Allele origin: germline.

Labcorp Genetics (formerly Invitae), Labcorp
Classification: Uncertain significance. Last evaluated: 2022-10-13. Review status: criteria provided, single submitter. Criteria: Invitae Variant Classification Sherloc (09022015). Collection method: clinical testing. Allele origin: germline.
Comment: This sequence change replaces asparagine, which is neutral and polar, with lysine, which is basic and polar, at codon 68 of the HMOX1 protein (p.Asn68Lys). This variant is present in population databases (rs200856037, gnomAD 0.2%). This variant has not been reported in the literature in individuals affected with HMOX1-related conditions. ClinVar contains an entry for this variant (Variation ID: 1351980). Algorithms developed to predict the effect of missense changes on protein structure and function are either unavailable or do not agree on the potential impact of this missense change (SIFT: "Tolerated"; PolyPhen-2: "Probably Damaging"; Align-GVGD: "Class C0"). In summary, the available evidence is currently insufficient to determine the role of this variant in disease. Therefore, it has been classified as a Variant of Uncertain Significance.